The following is an entry in ClinVar:

ClinVar aggregate classification (germline): Uncertain significance (1 of 4 stars; one submission).

Conditions:
Combined immunodeficiency due to STIM1 deficiency. Also called: STIM1 DEFICIENCY; IMMUNODEFICIENCY 10. Identifiers: Orphanet 169090, Orphanet 317430, MedGen C2748557, MONDO:0013008, OMIM 612783.
Myopathy with tubular aggregates (TAM). Also called: Tubular Aggregate Myopathy. Identifiers: Orphanet 2593, MedGen C0410207, MONDO:0008051.
Stormorken syndrome (STRMK). Also called: THROMBOCYTOPATHY, ASPLENIA, AND MIOSIS. Identifiers: Orphanet 3204, MedGen C1861451, MONDO:0008497, OMIM 185070.

Submission:

Labcorp Genetics (formerly Invitae), Labcorp
Classification: Uncertain significance for Myopathy with tubular aggregates; Combined immunodeficiency due to STIM1 deficiency; Stormorken syndrome. Last evaluated: 2022-07-19. Review status: criteria provided, single submitter. Criteria: Invitae Variant Classification Sherloc (09022015). Collection method: clinical testing. Allele origin: germline.
Comment: In summary, the available evidence is currently insufficient to determine the role of this variant in disease. Therefore, it has been classified as a Variant of Uncertain Significance. Experimental studies and prediction algorithms are not available or were not evaluated, and the functional significance of this variant is currently unknown. This variant has not been reported in the literature in individuals affected with STIM1-related conditions. This variant is not present in population databases (gnomAD no frequency). This variant, c.958_960del, results in the deletion of 1 amino acid(s) of the STIM1 protein (p.Glu320del), but otherwise preserves the integrity of the reading frame.

NM_001382567.1(STIM1):c.952GAG[2] (p.Glu320del)

Gene: STIM1 (stromal interaction molecule 1; plus strand). Cytogenetic location: 11p15.4.
Variant type: Microsatellite.
Coding change: c.952GAG[2] on transcript NM_001382567.1 (MANE Select); two copies in a row of the 3-base unit GAG starting at c.952; the reference has three copies in a row; one copy, 3 bases deleted.
Protein change: p.Glu320del; deletes glutamic acid 320.
Molecular consequence: inframe deletion.
Genome position (GRCh38, 1-based): chr11:4,074,668-4,074,670, GAG deleted; deleting any 3 consecutive bases within chr11:4,074,662-4,074,670 gives the same sequence; the position shown is the placement nearest the transcript's 3' end. VCF-style (leftmost placement, unchanged base first): chr11-4074661-TGAG-T. GRCh37 (hg19) VCF-style: chr11-4095891-TGAG-T.
Other names: c.952GAG[2], p.Glu320del (NM_001277961.3, NM_001277962.2, NM_001382568.1 and 2 more transcripts); c.730GAG[2], p.Glu246del (NM_001382566.1, NM_001382573.1, NM_001382574.1 and 5 more transcripts); c.817GAG[2], p.Glu275del (NM_001382569.1); c.724GAG[2], p.Glu244del (NM_001382570.1); c.472GAG[2], p.Glu160del (NM_001382571.1); c.463GAG[2], p.Glu157del (NM_001382580.1, NM_001382581.1); short protein forms E157del, E160del, E244del, E246del, E275del, E320del.
Identifiers: ClinVar variation 1440800 (VCV001440800.6), dbSNP rs2133186642, ClinGen allele CA2580615620.
Genomic context (GRCh38, chr11:4,074,661, plus strand): 5'-CCAGCGGCTGAAGGAGCTGCGGGAGGGTACTGAGAATGAGCGGAGCCGCCAAAAATATGC[TGAG>T]GAGGAGTTGGAGCAGGTAGGAGAGTCCACAAATTCCTGGACACCTTGACGGGTGGGTAAA-3'